The following is an entry in ClinVar:

ClinVar aggregate classification (germline): Uncertain significance (1 of 4 stars; one submission).

Conditions:
Familial adenomatous polyposis 1 (FAP1). Also called: FAMILIAL ADENOMATOUS POLYPOSIS 1, ATTENUATED; POLYPOSIS, ADENOMATOUS INTESTINAL. Identifiers: MedGen C2713442, MONDO:0021056, OMIM 175100. Disease mechanism: loss of function.

Submission:

Labcorp Genetics (formerly Invitae), Labcorp
Classification: Uncertain significance for Familial adenomatous polyposis 1. Last evaluated: 2022-06-23. Review status: criteria provided, single submitter. Criteria: Invitae Variant Classification Sherloc (09022015). Collection method: clinical testing. Allele origin: germline.
Comment: In summary, the available evidence is currently insufficient to determine the role of this variant in disease. Therefore, it has been classified as a Variant of Uncertain Significance. Algorithms developed to predict the effect of missense changes on protein structure and function output the following: SIFT: "Tolerated"; PolyPhen-2: "Benign"; Align-GVGD: "Class C0". The alanine amino acid residue is found in multiple mammalian species, which suggests that this missense change does not adversely affect protein function. This variant has not been reported in the literature in individuals affected with APC-related conditions. This variant is not present in population databases (gnomAD no frequency). This sequence change replaces serine, which is neutral and polar, with alanine, which is neutral and non-polar, at codon 1545 of the APC protein (p.Ser1545Ala).

NM_000038.6(APC):c.4633T>G (p.Ser1545Ala)

Gene: APC (APC regulator of Wnt signaling pathway; plus strand). Cytogenetic location: 5q22.2.
Variant type: single nucleotide variant.
Coding change: c.4633T>G on transcript NM_000038.6 (MANE Select); coding-DNA position 4633, T replaced by G.
Protein change: p.Ser1545Ala; replaces serine 1545 with alanine.
Molecular consequence: missense variant.
Genome position (GRCh38, 1-based): chr5:112,840,227, T>G. VCF-style: chr5-112840227-T-G. GRCh37 (hg19) VCF-style: chr5-112175924-T-G.
Other names: c.4633T>G, p.Ser1545Ala (NM_001127510.3, NM_001354895.2, NM_001407450.1); c.4579T>G, p.Ser1527Ala (NM_001127511.3); c.4687T>G, p.Ser1563Ala (NM_001354896.2, NM_001407447.1, NM_001407448.1 and 1 more transcripts); c.4663T>G, p.Ser1555Ala (NM_001354897.2); c.4558T>G, p.Ser1520Ala (NM_001354898.2); c.4549T>G, p.Ser1517Ala (NM_001354899.2); c.4510T>G, p.Ser1504Ala (NM_001354900.2); c.4456T>G, p.Ser1486Ala (NM_001354901.2, NM_001407453.1); and 11 more; short protein forms S1161A, S1416A, S1462A, S1504A, S1262A, S1385A, S1517A, S1527A.
Identifiers: ClinVar variation 1955296 (VCV001955296.5), dbSNP rs2149919563, ClinGen allele CA16031484.